The following is an entry in ClinVar:

ClinVar aggregate classification (germline): Uncertain significance (1 of 4 stars; one submission).

gnomAD v4.1: 12 of 1,551,592 alleles (0.00077%); highest among the groups gnomAD compares: Non-Finnish European, 0.001%; no homozygotes.

Submission:

CeGaT Center for Human Genetics Tuebingen
Classification: Uncertain significance. Last evaluated: 2026-06-01. Review status: criteria provided, single submitter. Criteria: CeGaT Center For Human Genetics Tuebingen Variant Classification Criteria Version 2. Collection method: clinical testing. Allele origin: germline. Affected: yes. Observed: 1 variant allele.
Comment: EYS: PM2, BP4

NM_001142800.2(EYS):c.7423G>C (p.Asp2475His)

Gene: EYS (EGF-like photoreceptor maintenance factor; minus strand). Cytogenetic location: 6q12.
Variant type: single nucleotide variant.
Coding change: c.7423G>C on transcript NM_001142800.2 (MANE Select); coding-DNA position 7423, G replaced by C.
Protein change: p.Asp2475His; replaces aspartic acid 2475 with histidine.
Molecular consequence: missense variant.
Genome position (GRCh38, 1-based): chr6:63,789,213, C>G on the plus strand (G>C on the coding strand, the complement: EYS is on the minus strand). VCF-style: chr6-63789213-C-G. GRCh37 (hg19) VCF-style: chr6-64499106-C-G.
Other names: c.7423G>C, p.Asp2475His (NM_001292009.2); short protein forms D2475H.
Identifiers: ClinVar variation 4872632 (VCV004872632.2).